The following is an entry in ClinVar:

NM_030957.4(ADAMTS10):c.1313G>A (p.Arg438His)

Gene: ADAMTS10 (ADAM metallopeptidase with thrombospondin type 1 motif 10; minus strand). Cytogenetic location: 19p13.2.
Variant type: single nucleotide variant.
Coding change: c.1313G>A on transcript NM_030957.4 (MANE Select); coding-DNA position 1313, G replaced by A.
Protein change: p.Arg438His; replaces arginine 438 with histidine.
Molecular consequence: missense variant.
Genome position (GRCh38, 1-based): chr19:8,596,097, C>T on the plus strand (G>A on the coding strand, the complement: ADAMTS10 is on the minus strand). VCF-style: chr19-8596097-C-T. GRCh37 (hg19) VCF-style: chr19-8660981-C-T.
Other names: short protein forms R438H.
Identifiers: ClinVar variation 4227984 (VCV004227984.2).

ClinVar aggregate classification (germline): Uncertain significance. Review status: criteria provided, multiple submitters, no conflicts (2 of 4 stars). 2 submissions from 2 submitters: Uncertain significance (2). Last evaluated 2025-07-23.

Conditions:
Inborn genetic diseases. Identifiers: MedGen C0950123, MeSH D030342.

gnomAD v4.1: 9 of 1,614,194 alleles (0.00056%); highest among the groups gnomAD compares: East Asian, 0.0022%; no homozygotes.

Submissions (2):

Labcorp Genetics (formerly Invitae), Labcorp
Classification: Uncertain significance. Last evaluated: 2025-07-23. Review status: criteria provided, single submitter. Criteria: Invitae Variant Classification Sherloc (09022015). Collection method: clinical testing. Allele origin: germline.
Comment: This sequence change replaces arginine, which is basic and polar, with histidine, which is basic and polar, at codon 438 of the ADAMTS10 protein (p.Arg438His). This variant is present in population databases (rs538831236, gnomAD 0.01%). This variant has not been reported in the literature in individuals affected with ADAMTS10-related conditions. An algorithm developed to predict the effect of missense changes on protein structure and function (PolyPhen-2) suggests that this variant is likely to be disruptive. In summary, the available evidence is currently insufficient to determine the role of this variant in disease. Therefore, it has been classified as a Variant of Uncertain Significance.

Ambry Genetics
Classification: Uncertain significance for Inborn genetic diseases. Last evaluated: 2025-07-15. Review status: criteria provided, single submitter. Criteria: Ambry Variant Classification Scheme 2023. Collection method: clinical testing. Allele origin: germline.